The following is an entry in ClinVar:

ClinVar aggregate classification (germline): Uncertain significance (1 of 4 stars; one submission).

Conditions:
Developmental and epileptic encephalopathy, 23 (DEE23). Also called: Epileptic encephalopathy, early infantile, 23. Identifiers: Orphanet 411986, MedGen C4014492, MONDO:0014371, OMIM 615859.

Submission:

Labcorp Genetics (formerly Invitae), Labcorp
Classification: Uncertain significance for Developmental and epileptic encephalopathy, 23. Last evaluated: 2025-05-22. Review status: criteria provided, single submitter. Criteria: Invitae Variant Classification Sherloc (09022015). Collection method: clinical testing. Allele origin: germline.
Comment: This sequence change replaces proline, which is neutral and non-polar, with arginine, which is basic and polar, at codon 280 of the DOCK7 protein (p.Pro280Arg). This variant is not present in population databases (gnomAD no frequency). This variant has not been reported in the literature in individuals affected with DOCK7-related conditions. ClinVar contains an entry for this variant (Variation ID: 961033). Invitae Evidence Modeling of protein sequence and biophysical properties (such as structural, functional, and spatial information, amino acid conservation, physicochemical variation, residue mobility, and thermodynamic stability) indicates that this missense variant is expected to disrupt DOCK7 protein function with a positive predictive value of 80%. In summary, the available evidence is currently insufficient to determine the role of this variant in disease. Therefore, it has been classified as a Variant of Uncertain Significance.

NM_001367561.1(DOCK7):c.839C>G (p.Pro280Arg)

Gene: DOCK7 (dedicator of cytokinesis 7; minus strand). Cytogenetic location: 1p31.3.
Variant type: single nucleotide variant.
Coding change: c.839C>G on transcript NM_001367561.1 (MANE Select); coding-DNA position 839, C replaced by G.
Protein change: p.Pro280Arg; replaces proline 280 with arginine.
Molecular consequence: missense variant.
Genome position (GRCh38, 1-based): chr1:62,636,583, G>C on the plus strand (C>G on the coding strand, the complement: DOCK7 is on the minus strand). VCF-style: chr1-62636583-G-C. GRCh37 (hg19) VCF-style: chr1-63102254-G-C.
Other names: c.839C>G, p.Pro280Arg (NM_001330614.2, NM_033407.4, NM_001271999.2 and 3 more transcripts); short protein forms P280R.
Identifiers: ClinVar variation 961033 (VCV000961033.10), dbSNP rs1655301888, ClinGen allele CA340623193.